The following is an entry in ClinVar:

ClinVar aggregate classification (germline): Likely benign (0 of 4 stars; one submission).

Conditions:
SEMA3G-related disorder. Also called: SEMA3G-related condition.

Submission:

PreventionGenetics, part of Exact Sciences
Classification: Likely benign for SEMA3G-related condition. Last evaluated: 2021-06-18. Review status: no assertion criteria provided. Collection method: clinical testing. Allele origin: germline.
Comment: This variant is classified as likely benign based on ACMG/AMP sequence variant interpretation guidelines (Richards et al. 2015 PMID: 25741868, with internal and published modifications).

NM_020163.3(SEMA3G):c.2253G>A (p.Arg751=)

Gene: SEMA3G (semaphorin 3G; minus strand). Cytogenetic location: 3p21.1.
Variant type: single nucleotide variant.
Coding change: c.2253G>A on transcript NM_020163.3 (MANE Select); coding-DNA position 2253, G replaced by A.
Protein change: p.Arg751=; no amino-acid change (arginine 751 retained).
Molecular consequence: synonymous variant.
Genome position (GRCh38, 1-based): chr3:52,435,699, C>T on the plus strand (G>A on the coding strand, the complement: SEMA3G is on the minus strand). VCF-style: chr3-52435699-C-T. GRCh37 (hg19) VCF-style: chr3-52469715-C-T.
Identifiers: ClinVar variation 3351732 (VCV003351732.1).